The following is an entry in ClinVar:

NM_004006.3(DMD):c.1850T>C (p.Met617Thr)

Gene: DMD (dystrophin; minus strand). Cytogenetic location: Xp21.1.
Variant type: single nucleotide variant.
Coding change: c.1850T>C on transcript NM_004006.3 (MANE Select); coding-DNA position 1850, T replaced by C.
Protein change: p.Met617Thr; replaces methionine 617 with threonine.
Molecular consequence: missense variant.
Genome position (GRCh38, 1-based): chrX:32,565,844, A>G on the plus strand (T>C on the coding strand, the complement: DMD is on the minus strand). VCF-style: chrX-32565844-A-G. GRCh37 (hg19) VCF-style: chrX-32583961-A-G.
Other names: c.1826T>C, p.Met609Thr (NM_000109.4); c.1838T>C, p.Met613Thr (NM_004009.3); c.1481T>C, p.Met494Thr (NM_004010.3); short protein forms M609T, M617T, M494T, M613T.
Identifiers: ClinVar variation 5035373 (VCV005035373.1).

ClinVar aggregate classification (germline): Uncertain significance (1 of 4 stars; one submission).

Conditions:
Cardiovascular phenotype. Identifiers: MedGen CN230736.

Submission:

Ambry Genetics
Classification: Uncertain significance for Cardiovascular phenotype. Last evaluated: 2026-07-22. Review status: criteria provided, single submitter. Criteria: Ambry Variant Classification Scheme 2023. Collection method: clinical testing. Allele origin: germline.
Comment: The p.M617T variant (also known as c.1850T>C), located in coding exon 16 of the DMD gene, results from a T to C substitution at nucleotide position 1850. The methionine at codon 617 is replaced by threonine, an amino acid with similar properties. This variant was reported in an individual from a Duchenne muscular dystrophy cohort; however, clinical detail and gene analysis were limited (Nouri N et al. Gene, 2014 Feb;535:250-4). This amino acid position is highly conserved in available vertebrate species. In addition, the in silico prediction for this alteration is inconclusive. Based on the available evidence, the clinical significance of this variant remains unclear.

Literature cited by the submitters: PubMed 24274981.